The following is an entry in ClinVar:

NM_014679.5(CEP57):c.1478G>T (p.Ser493Ile)

Gene: CEP57 (centrosomal protein 57; plus strand). Cytogenetic location: 11q21.
Variant type: single nucleotide variant.
Coding change: c.1478G>T on transcript NM_014679.5 (MANE Select); coding-DNA position 1478, G replaced by T.
Protein change: p.Ser493Ile; replaces serine 493 with isoleucine.
Molecular consequence: missense variant.
Genome position (GRCh38, 1-based): chr11:95,831,231, G>T. VCF-style: chr11-95831231-G-T. GRCh37 (hg19) VCF-style: chr11-95564395-G-T.
Other names: c.1451G>T, p.Ser484Ile (NM_001243776.2); c.1400G>T, p.Ser467Ile (NM_001243777.2); c.1397G>T, p.Ser466Ile (NM_001363604.2); short protein forms S484I, S493I, S467I, S466I.
Identifiers: ClinVar variation 4000997 (VCV004000997.1).

ClinVar aggregate classification (germline): Uncertain significance (1 of 4 stars; one submission).

Conditions:
Inborn genetic diseases. Identifiers: MedGen C0950123, MeSH D030342.

gnomAD v4.1: 3 of 1,612,844 alleles (0.00019%); highest among the groups gnomAD compares: African/African-American, 0.0027%; no homozygotes.

Submission:

Ambry Genetics
Classification: Uncertain significance for Inborn genetic diseases. Last evaluated: 2025-04-03. Review status: criteria provided, single submitter. Criteria: Ambry Variant Classification Scheme 2023. Collection method: clinical testing. Allele origin: germline.
Comment: The p.S493I variant (also known as c.1478G>T), located in coding exon 11 of the CEP57 gene, results from a G to T substitution at nucleotide position 1478. The serine at codon 493 is replaced by isoleucine, an amino acid with dissimilar properties. This amino acid position is conserved. In addition, this alteration is predicted to be tolerated by in silico analysis. Based on the available evidence, the clinical significance of this variant remains unclear.